The following is an entry in ClinVar:

ClinVar aggregate classification (germline): Uncertain significance. Review status: criteria provided, multiple submitters, no conflicts (2 of 4 stars). 3 submissions from 3 submitters: Uncertain significance (3). Last evaluated 2026-05-26.

Conditions:
Ullrich congenital muscular dystrophy 2 (UCMD2). Identifiers: Orphanet 75840, MedGen C4225314, MONDO:0014654, OMIM 616470.
Bethlem myopathy 2 (BTHLM2). Identifiers: Orphanet 536516, Orphanet 610, MedGen C4225313, MONDO:0034022, OMIM 616471.

Allele frequency attached by ClinVar (database versions not stated): ExAC 0.00001; gnomAD 0.00001.
gnomAD v4.1: 89 of 1,614,012 alleles (0.0055%); highest among the groups gnomAD compares: Non-Finnish European, 0.0072%; no homozygotes.

Submissions (3):

Women's Health and Genetics/Laboratory Corporation of America, LabCorp
Classification: Uncertain significance. Last evaluated: 2026-05-26. Review status: criteria provided, single submitter. Criteria: LabCorp Variant Classification Summary - May 2015. Collection method: clinical testing. Allele origin: germline.
Comment: Variant summary: COL12A1 c.1434G>C (p.Gln478His) results in a non-conservative amino acid change in the encoded protein sequence. Algorithms developed to predict the effect of missense changes on protein structure and function all suggest that this variant is likely to be disruptive. The variant allele was found at a frequency of 2e-05 in 248840 control chromosomes. The available data on variant occurrences in the general population are insufficient to allow any conclusion about variant significance. To our knowledge, no occurrence of c.1434G>C in individuals affected with COL12A1-related conditions and no experimental evidence demonstrating its impact on protein function have been reported. ClinVar contains an entry for this variant (Variation ID: 578855). Based on the evidence outlined above, the variant was classified as uncertain significance.

Labcorp Genetics (formerly Invitae), Labcorp
Classification: Uncertain significance for Bethlem myopathy 2; Ullrich congenital muscular dystrophy 2. Last evaluated: 2023-11-13. Review status: criteria provided, single submitter. Criteria: Invitae Variant Classification Sherloc (09022015). Collection method: clinical testing. Allele origin: germline.
Comment: This sequence change replaces glutamine, which is neutral and polar, with histidine, which is basic and polar, at codon 478 of the COL12A1 protein (p.Gln478His). This variant is present in population databases (rs762385473, gnomAD 0.005%). This variant has not been reported in the literature in individuals affected with COL12A1-related conditions. ClinVar contains an entry for this variant (Variation ID: 578855). Advanced modeling of protein sequence and biophysical properties (such as structural, functional, and spatial information, amino acid conservation, physicochemical variation, residue mobility, and thermodynamic stability) has been performed at Invitae for this missense variant, however the output from this modeling did not meet the statistical confidence thresholds required to predict the impact of this variant on COL12A1 protein function. In summary, the available evidence is currently insufficient to determine the role of this variant in disease. Therefore, it has been classified as a Variant of Uncertain Significance.

Revvity Omics, Revvity
Classification: Uncertain significance. Last evaluated: 2021-10-26. Review status: criteria provided, single submitter. Criteria: ACMG Guidelines, 2015. Collection method: clinical testing. Allele origin: germline.

NM_004370.6(COL12A1):c.1434G>C (p.Gln478His)

Gene: COL12A1 (collagen type XII alpha 1 chain; minus strand). Cytogenetic location: 6q13.
Variant type: single nucleotide variant.
Coding change: c.1434G>C on transcript NM_004370.6 (MANE Select); coding-DNA position 1434, G replaced by C.
Protein change: p.Gln478His; replaces glutamine 478 with histidine.
Molecular consequence: missense variant. On other transcripts: intron variant (1).
Genome position (GRCh38, 1-based): chr6:75,183,507, C>G on the plus strand (G>C on the coding strand, the complement: COL12A1 is on the minus strand). VCF-style: chr6-75183507-C-G. GRCh37 (hg19) VCF-style: chr6-75893223-C-G.
Other names: c.73+19213G>C (NM_080645.3); short protein forms Q478H.
Identifiers: ClinVar variation 578855 (VCV000578855.12), dbSNP rs762385473, ClinGen allele CA3894200.